The following is an entry in ClinVar:

NM_000169.3(GLA):c.44C>G (p.Ala15Gly)

Genes: GLA (galactosidase alpha; minus strand), RPL36A-HNRNPH2 (RPL36A-HNRNPH2 readthrough; plus strand). Cytogenetic location: Xq22.1.
Variant type: single nucleotide variant.
Coding change: c.44C>G on transcript NM_000169.3 (MANE Select); coding-DNA position 44, C replaced by G.
Protein change: p.Ala15Gly; replaces alanine 15 with glycine.
Molecular consequence: missense variant. On other transcripts: non-coding transcript variant (3), intron variant (2).
Genome position (GRCh38, 1-based): chrX:101,407,860, G>C on the plus strand (C>G on the coding strand, the complement: GLA is on the minus strand). VCF-style: chrX-101407860-G-C. GRCh37 (hg19) VCF-style: chrX-100662848-G-C.
Other names: c.44C>G, p.Ala15Gly (NM_001406747.1, NM_001406748.1, NM_001406749.1); c.301-4076G>C (NM_001199973.2); c.178-4076G>C (NM_001199974.2); short protein forms A15G.
Identifiers: ClinVar variation 4087274 (VCV004087274.2).
Genomic context (GRCh38, chrX:101,407,860, plus strand): 5'-CCATTGTCCAGTGCTCTAGCCCCAGGGATGTCCCAGGAAACGAGGGCCAGGAAGCGAAGC[G>C]CAAGCGCGCAGCCCAGATGTAGTTCTGGGTTCCTCAGCTGCATTGTCACGGTGACCGGAC-3'
Protein context (NP_000160.1, residues 5-25): NPELHLGCAL[Ala15Gly]LRFLALVSWD

ClinVar aggregate classification (germline): Likely pathogenic (1 of 4 stars; one submission).

Conditions:
Fabry disease. Also called: ALPHA-GALACTOSIDASE A DEFICIENCY; ANDERSON-FABRY DISEASE; CERAMIDE TRIHEXOSIDASE DEFICIENCY; GLA DEFICIENCY; HEREDITARY DYSTOPIC LIPIDOSIS; Angiokeratoma corporis diffusum. Identifiers: Orphanet 324, MedGen C0002986, MONDO:0010526, OMIM 301500, HP:0001071. Disease mechanism: Fabry disease is due to inactivating mutations in the X-linked GLA gene resulting in deficiency of the enzyme Alpha Galactosidase-A., loss of function.

Submission:

Genomenon, Inc
Classification: Likely pathogenic for Fabry disease. Last evaluated: 2026-09-08. Review status: criteria provided, single submitter. Criteria: Genomenon Sequence Variant Interpretation Standards - Updated. Collection method: curation. Allele origin: germline. Affected: yes.
Comment: GLA p.Ala15Gly (c.44C>G) is a missense variant that changes the amino acid at codon 15 from Alanine to Glycine. This variant has been observed in at least one proband with clinical features consistent with Fabry disease (PMID:19320660;34205365;31996269). Functional or patient cell studies have been reported (PMID:31036492;30594474;34205365;27657681;31996269). The presence of pathogenic/likely pathogenic missense variant(s) at the same amino acid position indicates that this residue is likely important for protein function. It is absent or not present at a significant frequency in gnomAD. In silico models predict that this variant is possibly or probably damaging. In conclusion, we classify GLA p.Ala15Gly (c.44C>G) as a likely pathogenic variant.

Literature cited by the submitters: PubMed 19320660; PubMed 34205365; PubMed 31996269; PubMed 31036492; PubMed 30594474; PubMed 27657681.